The following is an entry in ClinVar:

ClinVar aggregate classification (germline): Uncertain significance (1 of 4 stars; one submission).

gnomAD v4.1: 1 of 1,613,364 alleles (0.000062%); highest among the groups gnomAD compares: Non-Finnish European, 0.000085%; no homozygotes.

Submission:

Labcorp Genetics (formerly Invitae), Labcorp
Classification: Uncertain significance. Last evaluated: 2022-09-13. Review status: criteria provided, single submitter. Criteria: Invitae Variant Classification Sherloc (09022015). Collection method: clinical testing. Allele origin: germline.
Comment: This sequence change replaces histidine, which is basic and polar, with tyrosine, which is neutral and polar, at codon 210 of the JAM3 protein (p.His210Tyr). This variant is not present in population databases (gnomAD no frequency). This variant has not been reported in the literature in individuals affected with JAM3-related conditions. Advanced modeling of protein sequence and biophysical properties (such as structural, functional, and spatial information, amino acid conservation, physicochemical variation, residue mobility, and thermodynamic stability) performed at Invitae indicates that this missense variant is not expected to disrupt JAM3 protein function. In summary, the available evidence is currently insufficient to determine the role of this variant in disease. Therefore, it has been classified as a Variant of Uncertain Significance.

NM_032801.5(JAM3):c.628C>T (p.His210Tyr)

Gene: JAM3 (junctional adhesion molecule 3; plus strand). Cytogenetic location: 11q25.
Variant type: single nucleotide variant.
Coding change: c.628C>T on transcript NM_032801.5 (MANE Select); coding-DNA position 628, C replaced by T.
Protein change: p.His210Tyr; replaces histidine 210 with tyrosine.
Molecular consequence: missense variant.
Genome position (GRCh38, 1-based): chr11:134,145,961, C>T. VCF-style: chr11-134145961-C-T. GRCh37 (hg19) VCF-style: chr11-134015856-C-T.
Other names: c.475C>T, p.His159Tyr (NM_001205329.2); short protein forms H159Y, H210Y.
Identifiers: ClinVar variation 2106252 (VCV002106252.4), dbSNP rs1268886040, ClinGen allele CA383500817.
Genomic context (GRCh38, chr11:134,145,961, plus strand): 5'-GCCCCATGATGGGTCCGATTATTTACTTGTCATTCCCTGAAACAGGTGTTCACTGCTGTT[C>T]ACAAGGACGACTCTGGGCAGTACTACTGCATTGCTTCCAATGACGCAGGCTCAGCCAGGT-3'
Protein context (NP_116190.3, residues 200-220): ETGTLVFTAV[His210Tyr]KDDSGQYYCI